The following is an entry in ClinVar:

ClinVar aggregate classification (germline): Uncertain significance (1 of 4 stars; one submission).

Conditions:
Hereditary cancer-predisposing syndrome. Also called: Neoplastic Syndromes, Hereditary; Tumor predisposition; Hereditary neoplastic syndrome; Hereditary Cancer Syndrome. Identifiers: Orphanet 140162, MedGen C0027672, MeSH D009386, MONDO:0015356.

Submission:

Ambry Genetics
Classification: Uncertain significance for Hereditary cancer-predisposing syndrome. Last evaluated: 2023-01-18. Review status: criteria provided, single submitter. Criteria: Ambry Variant Classification Scheme 2023. Collection method: clinical testing. Allele origin: germline.
Comment: The p.L500Q variant (also known as c.1499T>A), located in coding exon 9 of the MEN1 gene, results from a T to A substitution at nucleotide position 1499. The leucine at codon 500 is replaced by glutamine, an amino acid with dissimilar properties. This amino acid position is conserved. In addition, the in silico prediction for this alteration is inconclusive. Since supporting evidence is limited at this time, the clinical significance of this alteration remains unclear.

NM_001370259.2(MEN1):c.1499T>A (p.Leu500Gln)

Gene: MEN1 (menin 1; minus strand). Cytogenetic location: 11q13.1.
Variant type: single nucleotide variant.
Coding change: c.1499T>A on transcript NM_001370259.2 (MANE Select); coding-DNA position 1499, T replaced by A.
Protein change: p.Leu500Gln; replaces leucine 500 with glutamine.
Molecular consequence: missense variant. On other transcripts: non-coding transcript variant (4).
Genome position (GRCh38, 1-based): chr11:64,804,668, A>T on the plus strand (T>A on the coding strand, the complement: MEN1 is on the minus strand). VCF-style: chr11-64804668-A-T. GRCh37 (hg19) VCF-style: chr11-64572140-A-T.
Other names: c.1514T>A, p.Leu505Gln (NM_000244.4, NM_001407145.1, NM_130800.3 and 4 more transcripts); c.1625T>A, p.Leu542Gln (NM_001370251.2, NM_001407142.1, NM_001407143.1 and 1 more transcripts); c.1499T>A, p.Leu500Gln (NM_001370260.2, NM_001370261.2, NM_001407146.1 and 2 more transcripts); c.1394T>A, p.Leu465Gln (NM_001370262.2, NM_001370263.2, NM_001407148.1 and 1 more transcripts); c.1640T>A, p.Leu547Gln (NM_001407150.1); c.1520T>A, p.Leu507Gln (NM_001407151.1); c.1334T>A, p.Leu445Gln (NM_001407152.1); short protein forms L465Q, L507Q, L445Q, L500Q, L505Q, L542Q, L547Q.
Identifiers: ClinVar variation 2450227 (VCV002450227.2), dbSNP rs1941538934, ClinGen allele CA381178849.